The following is an entry in ClinVar:

NM_000268.4(NF2):c.827T>C (p.Leu276Pro)

Gene: NF2 (NF2, moesin-ezrin-radixin like (MERLIN) tumor suppressor; plus strand). Cytogenetic location: 22q12.2.
Variant type: single nucleotide variant.
Coding change: c.827T>C on transcript NM_000268.4 (MANE Select); coding-DNA position 827, T replaced by C.
Protein change: p.Leu276Pro; replaces leucine 276 with proline.
Molecular consequence: missense variant. On other transcripts: non-coding transcript variant (1), intron variant (1).
Genome position (GRCh38, 1-based): chr22:29,665,006, T>C. VCF-style: chr22-29665006-T-C. GRCh37 (hg19) VCF-style: chr22-30060995-T-C.
Other names: c.827T>C, p.Leu276Pro (NM_016418.5, NM_181825.3, NM_181832.3); c.701T>C, p.Leu234Pro (NM_181828.3); c.704T>C, p.Leu235Pro (NM_181829.3); c.578T>C, p.Leu193Pro (NM_181830.3, NM_181831.3); c.447+22721T>C (NM_181833.3); short protein forms L193P, L276P, L235P, L234P.
Identifiers: ClinVar variation 1401279 (VCV001401279.8), dbSNP rs549225513, ClinGen allele CA035392.

ClinVar aggregate classification (germline): Uncertain significance (1 of 4 stars; one submission).

Conditions:
Neurofibromatosis, type 2 (SWNV). Also called: BILATERAL ACOUSTIC NEUROFIBROMATOSIS; NF2-Related Schwannomatosis; SCHWANNOMATOSIS, VESTIBULAR. Identifiers: Orphanet 637, MedGen C0027832, MONDO:0007039, OMIM 101000. Disease mechanism: loss of function.

Allele frequency attached by ClinVar (database versions not stated): 1000 Genomes Project 0.00020; gnomAD 0.00001; gnomAD exomes 0.00001; ExAC 0.00003; 1000 Genomes Project 30x 0.00016.

Submission:

Labcorp Genetics (formerly Invitae), Labcorp
Classification: Uncertain significance for Neurofibromatosis, type 2. Last evaluated: 2023-04-23. Review status: criteria provided, single submitter. Criteria: Invitae Variant Classification Sherloc (09022015). Collection method: clinical testing. Allele origin: germline.
Comment: In summary, the available evidence is currently insufficient to determine the role of this variant in disease. Therefore, it has been classified as a Variant of Uncertain Significance. This sequence change replaces leucine, which is neutral and non-polar, with proline, which is neutral and non-polar, at codon 276 of the NF2 protein (p.Leu276Pro). This variant is present in population databases (rs549225513, gnomAD 0.007%). This variant has not been reported in the literature in individuals affected with NF2-related conditions. ClinVar contains an entry for this variant (Variation ID: 1401279). Advanced modeling of protein sequence and biophysical properties (such as structural, functional, and spatial information, amino acid conservation, physicochemical variation, residue mobility, and thermodynamic stability) performed at Invitae indicates that this missense variant is not expected to disrupt NF2 protein function.